The following is an entry in ClinVar:

NM_000548.5(TSC2):c.4663-4dup

Gene: TSC2 (TSC complex subunit 2; plus strand). Cytogenetic location: 16p13.3.
Variant type: Duplication.
Coding change: c.4663-4dup on transcript NM_000548.5 (MANE Select); 4 bases into the intron before coding-DNA position 4663, one base duplicated (A; older notation c.4663-4dupA).
Molecular consequence: intron variant.
Genome position (GRCh38, 1-based): chr16:2,086,189, A duplicated. VCF-style (leftmost placement, unchanged base first): chr16-2086188-C-CA. GRCh37 (hg19) VCF-style: chr16-2136189-C-CA.
Other names: c.3121-4dup (NM_001406693.1, NM_001406692.1, NM_001406694.1); c.4555-4dup (NM_001406667.1); c.4552-4dup (NM_001406668.1); c.4063-4dup (NM_001406680.1); c.3994-4dup (NM_001406683.1, NM_001406682.1); c.3862-4dup (NM_001406687.1, NM_001406688.1); c.3250-4dup (NM_001406689.1); c.3190-4dup (NM_001406690.1); and 26 more.
Identifiers: ClinVar variation 3232174 (VCV003232174.1), dbSNP rs2544365810, ClinGen allele CA2825002340.
Genomic context (GRCh38, chr16:2,086,188, plus strand): 5'-CACCCTCTGCGGGGCAGGGCCCGGCCCGGGAGTGATGCCACCCTGCCTCTCCCCTCTCCC[C>CA]ACAGAGCAACAGCGAGCTCGCCATCCTGTCCAATGAGCATGGCTCCTACAGGTACACGGA-3'

ClinVar aggregate classification (germline): Uncertain significance (1 of 4 stars; one submission).

Conditions:
Hereditary cancer-predisposing syndrome. Also called: Neoplastic Syndromes, Hereditary; Tumor predisposition; Hereditary neoplastic syndrome; Hereditary Cancer Syndrome. Identifiers: Orphanet 140162, MedGen C0027672, MeSH D009386, MONDO:0015356.

Submission:

Ambry Genetics
Classification: Uncertain significance for Hereditary cancer-predisposing syndrome. Last evaluated: 2023-09-16. Review status: criteria provided, single submitter. Criteria: Ambry Variant Classification Scheme 2023. Collection method: clinical testing. Allele origin: germline.
Comment: The c.4663-4dupA intronic variant, results from a duplication of two nucleotides at nucleotide position 4663 before intron 35 of the TSC2 gene. This nucleotide position is not well conserved in available vertebrate species. In silico splice site analysis predicts that this alteration will not have any significant effect on splicing. Since supporting evidence is limited at this time, the clinical significance of this alteration remains unclear.